The following is an entry in ClinVar:

ClinVar aggregate classification (germline): Uncertain significance. Review status: criteria provided, multiple submitters, no conflicts (2 of 4 stars). 2 submissions from 2 submitters: Uncertain significance (2). Last evaluated 2023-04-28.

Conditions:
Hereditary cancer-predisposing syndrome. Also called: Neoplastic Syndromes, Hereditary; Hereditary Cancer Syndrome; Hereditary neoplastic syndrome; Tumor predisposition. Identifiers: Orphanet 140162, MedGen C0027672, MeSH D009386, MONDO:0015356.
Neurofibromatosis, type 2 (SWNV). Also called: BILATERAL ACOUSTIC NEUROFIBROMATOSIS; SCHWANNOMATOSIS, VESTIBULAR; NF2-Related Schwannomatosis. Identifiers: Orphanet 637, MedGen C0027832, MONDO:0007039, OMIM 101000. Disease mechanism: loss of function.

Allele frequency attached by ClinVar (database versions not stated): gnomAD exomes below 0.00001.
gnomAD v4.1: 4 of 1,612,296 alleles (0.00025%); highest among the groups gnomAD compares: South Asian, 0.0033%; no homozygotes.

Submissions (2):

Ambry Genetics
Classification: Uncertain significance for Hereditary cancer-predisposing syndrome. Last evaluated: 2023-04-28. Review status: criteria provided, single submitter. Criteria: Ambry Variant Classification Scheme 2023. Collection method: clinical testing. Allele origin: germline.
Comment: The p.A433T variant (also known as c.1297G>A), located in coding exon 12 of the NF2 gene, results from a G to A substitution at nucleotide position 1297. The alanine at codon 433 is replaced by threonine, an amino acid with similar properties. This amino acid position is conserved. In addition, this alteration is predicted to be tolerated by in silico analysis. Since supporting evidence is limited at this time, the clinical significance of this alteration remains unclear.

Labcorp Genetics (formerly Invitae), Labcorp
Classification: Uncertain significance for Neurofibromatosis, type 2. Last evaluated: 2022-12-11. Review status: criteria provided, single submitter. Criteria: Invitae Variant Classification Sherloc (09022015). Collection method: clinical testing. Allele origin: germline.
Comment: In summary, the available evidence is currently insufficient to determine the role of this variant in disease. Therefore, it has been classified as a Variant of Uncertain Significance. Advanced modeling of protein sequence and biophysical properties (such as structural, functional, and spatial information, amino acid conservation, physicochemical variation, residue mobility, and thermodynamic stability) performed at Invitae indicates that this missense variant is not expected to disrupt NF2 protein function. ClinVar contains an entry for this variant (Variation ID: 1005805). This variant has not been reported in the literature in individuals affected with NF2-related conditions. This variant is not present in population databases (gnomAD no frequency). This sequence change replaces alanine, which is neutral and non-polar, with threonine, which is neutral and polar, at codon 433 of the NF2 protein (p.Ala433Thr).

NM_000268.4(NF2):c.1297G>A (p.Ala433Thr)

Gene: NF2 (NF2, moesin-ezrin-radixin like (MERLIN) tumor suppressor; plus strand). Cytogenetic location: 22q12.2.
Variant type: single nucleotide variant.
Coding change: c.1297G>A on transcript NM_000268.4 (MANE Select); coding-DNA position 1297, G replaced by A.
Protein change: p.Ala433Thr; replaces alanine 433 with threonine.
Molecular consequence: missense variant. On other transcripts: non-coding transcript variant (1), intron variant (1).
Genome position (GRCh38, 1-based): chr22:29,673,443, G>A. VCF-style: chr22-29673443-G-A. GRCh37 (hg19) VCF-style: chr22-30069432-G-A.
Other names: c.1297G>A, p.Ala433Thr (NM_016418.5, NM_181825.3, NM_181832.3); c.1171G>A, p.Ala391Thr (NM_181828.3); c.1174G>A, p.Ala392Thr (NM_181829.3); c.1048G>A, p.Ala350Thr (NM_181830.3, NM_181831.3); c.448-21309G>A (NM_181833.3); c.1297G>A (NM_000268.3); short protein forms A350T, A391T, A392T, A433T.
Identifiers: ClinVar variation 1005805 (VCV001005805.11), dbSNP rs1449875899, ClinGen allele CA411148555.